The following is an entry in ClinVar:

ClinVar aggregate classification (germline): not provided (0 of 4 stars; one submission).

Conditions:
Familial long QT syndrome (RWS). Also called: Congenital long QT syndrome; Romano-Ward syndrome; VENTRICULAR FIBRILLATION WITH PROLONGED QT INTERVAL. Identifiers: Orphanet 768, MedGen C1141890, MONDO:0019171.

Submission:

Cardiovascular Biomedical Research Unit, Royal Brompton & Harefield NHS Foundation Trust
No classification provided. Condition: Familial long QT syndrome. Review status: no classification provided. Collection method: literature only. Allele origin: germline.
Comment: This variant has been reported in the following publications (PMID:16217063).

Literature cited by the submitters: PubMed 16217063; PubMed 22581653.

NM_000891.3(KCNJ2):c.368T>G (p.Val123Gly)

Gene: KCNJ2 (potassium inwardly rectifying channel subfamily J member 2; plus strand). Cytogenetic location: 17q24.3.
Variant type: single nucleotide variant.
Coding change: c.368T>G on transcript NM_000891.3 (MANE Select); coding-DNA position 368, T replaced by G.
Protein change: p.Val123Gly; replaces valine 123 with glycine.
Molecular consequence: missense variant.
Genome position (GRCh38, 1-based): chr17:70,175,407, T>G. VCF-style: chr17-70175407-T-G. GRCh37 (hg19) VCF-style: chr17-68171548-T-G.
Other names: c.368T>G (LRG_328t1); short protein forms V123G.
Identifiers: ClinVar variation 67571 (VCV000067571.1), dbSNP rs199473375, ClinGen allele CA329660.